The following is an entry in ClinVar:

ClinVar aggregate classification (germline): Uncertain significance (1 of 4 stars; one submission).

Conditions:
Long QT syndrome 1 (LQT1). Identifiers: Orphanet 101016, Orphanet 768, MedGen C4551647, MONDO:0100316, OMIM 192500, MONDO:0008646.

Submission:

Labcorp Genetics (formerly Invitae), Labcorp
Classification: Uncertain significance for Long QT syndrome 1. Last evaluated: 2022-11-08. Review status: criteria provided, single submitter. Criteria: Invitae Variant Classification Sherloc (09022015). Collection method: clinical testing. Allele origin: germline.
Comment: This variant has not been reported in the literature in individuals affected with CALM2-related conditions. In summary, the available evidence is currently insufficient to determine the role of this variant in disease. Therefore, it has been classified as a Variant of Uncertain Significance. This variant results in a copy number gain of the genomic region encompassing exon(s) 2-6 of the CALM2 gene. This region includes the termination codon of the gene. This copy number gain extends beyond the assayed region for this gene and therefore may encompass additional genes. As the precise location of this event is unknown, it may be in tandem or it may be located elsewhere in the genome.

NC_000002.11:g.(?_47387915)_(47397923_?)dup

Gene: CALM2 (calmodulin 2; minus strand). Cytogenetic location: 2p21.
Variant type: Duplication.
Identifiers: ClinVar variation 2424228 (VCV002424228.4).